The following is an entry in ClinVar:

ClinVar aggregate classification (germline): Uncertain significance. Review status: criteria provided, multiple submitters, no conflicts (2 of 4 stars). 2 submissions from 2 submitters: Uncertain significance (2). Last evaluated 2023-03-08.

Conditions:
Jeune thoracic dystrophy. Also called: Jeune syndrome; Infantile thoracic dystrophy; Thoracic pelvic phalangeal dystrophy; Jeune's syndrome; Chondroectodermal dysplasia-like syndrome; Short-rib thoracic dysplasia. Identifiers: Orphanet 474, MedGen C0265275, MONDO:0018770.

Allele frequency attached by ClinVar (database versions not stated): TOPMed below 0.00001; gnomAD exomes 0.00002 and 0.00003; ExAC 0.00004.
gnomAD v4.1: 36 of 1,612,196 alleles (0.0022%); highest among the groups gnomAD compares: South Asian, 0.014%; no homozygotes.

Submissions (2):

GeneDx
Classification: Uncertain significance. Last evaluated: 2023-03-08. Review status: criteria provided, single submitter. Criteria: GeneDx Variant Classification Process June 2021. Collection method: clinical testing. Allele origin: germline. Affected: yes.
Comment: In silico analysis supports that this missense variant does not alter protein structure/function; Has not been previously published as pathogenic or benign to our knowledge

Labcorp Genetics (formerly Invitae), Labcorp
Classification: Uncertain significance for Jeune thoracic dystrophy. Last evaluated: 2022-06-13. Review status: criteria provided, single submitter. Criteria: Invitae Variant Classification Sherloc (09022015). Collection method: clinical testing. Allele origin: germline.
Comment: This sequence change replaces isoleucine, which is neutral and non-polar, with threonine, which is neutral and polar, at codon 3960 of the DYNC2H1 protein (p.Ile3960Thr). This variant is present in population databases (rs769616176, gnomAD 0.01%). This variant has not been reported in the literature in individuals affected with DYNC2H1-related conditions. Advanced modeling of protein sequence and biophysical properties (such as structural, functional, and spatial information, amino acid conservation, physicochemical variation, residue mobility, and thermodynamic stability) performed at Invitae indicates that this missense variant is not expected to disrupt DYNC2H1 protein function. In summary, the available evidence is currently insufficient to determine the role of this variant in disease. Therefore, it has been classified as a Variant of Uncertain Significance.

NM_001377.3(DYNC2H1):c.11858T>C (p.Ile3953Thr)

Gene: DYNC2H1 (dynein cytoplasmic 2 heavy chain 1; plus strand). Cytogenetic location: 11q22.3.
Variant type: single nucleotide variant.
Coding change: c.11858T>C on transcript NM_001377.3 (MANE Select); coding-DNA position 11858, T replaced by C.
Protein change: p.Ile3953Thr; replaces isoleucine 3953 with threonine.
Molecular consequence: missense variant.
Genome position (GRCh38, 1-based): chr11:103,321,161, T>C. VCF-style: chr11-103321161-T-C. GRCh37 (hg19) VCF-style: chr11-103191890-T-C.
Other names: c.11879T>C (NM_001080463.1); c.11879T>C, p.Ile3960Thr (NM_001080463.2); short protein forms I3960T, I3953T.
Identifiers: ClinVar variation 1443108 (VCV001443108.3), dbSNP rs769616176, ClinGen allele CA6255386.